The following is an entry in ClinVar:

ClinVar aggregate classification (germline): Conflicting classifications of pathogenicity. Review status: criteria provided, conflicting classifications (1 of 4 stars). 2 submissions from 2 submitters: Uncertain significance (1); Likely benign (1). Last evaluated 2024-03-20.

Conditions:
Left ventricular noncompaction 8 (LVNC8). Identifiers: Orphanet 154, Orphanet 54260, MedGen C3809288, MONDO:0014152, OMIM 615373.

gnomAD v4.1: 12 of 1,592,368 alleles (0.00075%); highest among the groups gnomAD compares: African/African-American, 0.0013%; no homozygotes.

Submissions (2):

Labcorp Genetics (formerly Invitae), Labcorp
Classification: Uncertain significance for Left ventricular noncompaction 8. Last evaluated: 2024-03-20. Review status: criteria provided, single submitter. Criteria: Invitae Variant Classification Sherloc (09022015). Collection method: clinical testing. Allele origin: germline.
Comment: This sequence change affects codon 663 of the PRDM16 mRNA. It is a 'silent' change, meaning that it does not change the encoded amino acid sequence of the PRDM16 protein. This variant is not present in population databases (gnomAD no frequency). This variant has not been reported in the literature in individuals affected with PRDM16-related conditions. Algorithms developed to predict the effect of sequence changes on RNA splicing suggest that this variant may create or strengthen a splice site. In summary, the available evidence is currently insufficient to determine the role of this variant in disease. Therefore, it has been classified as a Variant of Uncertain Significance.

Blueprint Genetics
Classification: Likely benign. Last evaluated: 2021-11-11. Review status: criteria provided, single submitter. Criteria: ACMG Guidelines, 2015. Collection method: clinical testing. Allele origin: germline.

NM_022114.4(PRDM16):c.1989C>T (p.Ala663=)

Gene: PRDM16 (PR/SET domain 16; plus strand). Cytogenetic location: 1p36.32.
Variant type: single nucleotide variant.
Coding change: c.1989C>T on transcript NM_022114.4 (MANE Select); coding-DNA position 1989, C replaced by T.
Protein change: p.Ala663=; no amino-acid change (alanine 663 retained).
Molecular consequence: synonymous variant.
Genome position (GRCh38, 1-based): chr1:3,412,186, C>T. VCF-style: chr1-3412186-C-T. GRCh37 (hg19) VCF-style: chr1-3328750-C-T.
Other names: c.1989C>T, p.Ala663= (NM_199454.3).
Identifiers: ClinVar variation 3704322 (VCV003704322.3).